The following is an entry in ClinVar:

ClinVar aggregate classification (germline): Likely pathogenic. Review status: criteria provided, single submitter (1 of 4 stars). 2 submissions from 2 submitters: Likely pathogenic (1). 1 of the submissions does not count toward it. Last evaluated 2021-09-25.

Conditions:
Glutaric aciduria, type 1. Also called: Glutaric Acidemia Type 1; Glutaricacidemia Type 1; GA I; Glutaryl-CoA dehydrogenase deficiency; Glutaric acidemia type I; Glutaricaciduria, type I. Identifiers: Orphanet 25, MedGen C0268595, MONDO:0009281, OMIM 231670.

Submissions (2):

Labcorp Genetics (formerly Invitae), Labcorp
Classification: Likely pathogenic for Glutaric aciduria, type 1. Last evaluated: 2021-09-25. Review status: criteria provided, single submitter. Criteria: Invitae Variant Classification Sherloc (09022015). Collection method: clinical testing. Allele origin: germline.
Comment: In summary, the currently available evidence indicates that the variant is pathogenic, but additional data are needed to prove that conclusively. Therefore, this variant has been classified as Likely Pathogenic. Advanced modeling of protein sequence and biophysical properties (such as structural, functional, and spatial information, amino acid conservation, physicochemical variation, residue mobility, and thermodynamic stability) performed at Invitae indicates that this missense variant is expected to disrupt GCDH protein function. ClinVar contains an entry for this variant (Variation ID: 555251). This missense change has been observed in individual(s) with glutaric acidemia type I (PMID: 22728054; Invitae). This variant is not present in population databases (ExAC no frequency). This sequence change replaces serine with tyrosine at codon 146 of the GCDH protein (p.Ser146Tyr). The serine residue is highly conserved and there is a large physicochemical difference between serine and tyrosine.

Counsyl
Classification: Uncertain significance for Glutaric aciduria, type 1. Last evaluated: 2017-11-26. Review status: no assertion criteria provided. Collection method: clinical testing. Allele origin: unknown. Not counted in ClinVar's aggregate classification.

Literature cited by the submitters: PubMed 22728054 (cited by Labcorp Genetics (formerly Invitae), Labcorp and Counsyl).

NM_000159.4(GCDH):c.437C>A (p.Ser146Tyr)

Gene: GCDH (glutaryl-CoA dehydrogenase; plus strand). Cytogenetic location: 19p13.13.
Variant type: single nucleotide variant.
Coding change: c.437C>A on transcript NM_000159.4 (MANE Select); coding-DNA position 437, C replaced by A.
Protein change: p.Ser146Tyr; replaces serine 146 with tyrosine.
Molecular consequence: missense variant. On other transcripts: non-coding transcript variant (2).
Genome position (GRCh38, 1-based): chr19:12,893,585, C>A. VCF-style: chr19-12893585-C-A. GRCh37 (hg19) VCF-style: chr19-13004399-C-A.
Other names: c.437C>A, p.Ser146Tyr (NM_013976.5); short protein forms S146Y.
Identifiers: ClinVar variation 555251 (VCV000555251.8), dbSNP rs1555749927, ClinGen allele CA404317545.
Genomic context (GRCh38, chr19:12,893,585, plus strand): 5'-TGGCCCGAGAGCTGGAGCGGGTGGACAGTGGCTACAGGTCGGCGATGAGTGTCCAGTCCT[C>A]CCTCGTCATGCACCCTATCTATGCCTATGGCAGCGAGGAACAGCGGCAGAAGTACCTGCC-3'
Protein context (NP_000150.1, residues 136-156): GYRSAMSVQS[Ser146Tyr]LVMHPIYAYG